The following is an entry in ClinVar:

ClinVar aggregate classification (germline): Uncertain significance (1 of 4 stars; one submission).

Conditions:
Inborn genetic diseases. Identifiers: MedGen C0950123, MeSH D030342.

Allele frequency attached by ClinVar (database versions not stated): gnomAD exomes below 0.00001.
gnomAD v4.1: 3 of 1,607,020 alleles (0.00019%); highest among the groups gnomAD compares: Non-Finnish European, 0.00026%; no homozygotes.

Submission:

Ambry Genetics
Classification: Uncertain significance for Inborn genetic diseases. Last evaluated: 2021-02-09. Review status: criteria provided, single submitter. Criteria: Ambry Variant Classification Scheme 2023. Collection method: clinical testing. Allele origin: germline.
Comment: The c.776+6G>T intronic alteration consists of a G to T substitution 6 nucleotides after exon 7 (coding exon 7) of the INPP5K gene. Based on insufficient or conflicting evidence, the clinical significance of this alteration remains unclear.

NM_016532.4(INPP5K):c.776+6G>T

Gene: INPP5K (inositol polyphosphate-5-phosphatase K; minus strand). Cytogenetic location: 17p13.3.
Variant type: single nucleotide variant.
Coding change: c.776+6G>T on transcript NM_016532.4 (MANE Select); 6 bases into the intron after coding-DNA position 776, G replaced by T.
Molecular consequence: intron variant.
Genome position (GRCh38, 1-based): chr17:1,506,974, C>A on the plus strand (G>T on the coding strand, the complement: INPP5K is on the minus strand). VCF-style: chr17-1506974-C-A. GRCh37 (hg19) VCF-style: chr17-1410268-C-A.
Other names: c.548+6G>T (NM_130766.3, NM_001135642.2).
Identifiers: ClinVar variation 2229192 (VCV002229192.2), dbSNP rs2543926114, ClinGen allele CA2580092424.